The following is an entry in ClinVar:

NM_001363711.2(DUOX2):c.4475G>A (p.Arg1492His)

Gene: DUOX2 (dual oxidase 2; minus strand). Cytogenetic location: 15q21.1.
Variant type: single nucleotide variant.
Coding change: c.4475G>A on transcript NM_001363711.2 (MANE Select); coding-DNA position 4475, G replaced by A.
Protein change: p.Arg1492His; replaces arginine 1492 with histidine.
Molecular consequence: missense variant.
Genome position (GRCh38, 1-based): chr15:45,094,612, C>T on the plus strand (G>A on the coding strand, the complement: DUOX2 is on the minus strand). VCF-style: chr15-45094612-C-T. GRCh37 (hg19) VCF-style: chr15-45386810-C-T.
Other names: c.4475G>A, p.Arg1492His (NM_014080.5); short protein forms R1492H.
Identifiers: ClinVar variation 449575 (VCV000449575.7), dbSNP rs144543420, ClinGen allele CA7537502.

ClinVar aggregate classification (germline): Uncertain significance. Review status: criteria provided, multiple submitters, no conflicts (2 of 4 stars). 2 submissions from 2 submitters: Uncertain significance (2). Last evaluated 2024-10-30.

Allele frequency attached by ClinVar (database versions not stated): ExAC 0.00014; ESP Exome Variant Server 0.00015; gnomAD exomes 0.00015 and 0.00019; 1000 Genomes Project 30x 0.00016; TOPMed 0.00016; gnomAD 0.00018; 1000 Genomes Project 0.00020.
gnomAD v4.1: 303 of 1,613,998 alleles (0.019%); highest among the groups gnomAD compares: East Asian, 0.038%; no homozygotes.

Submissions (2):

Labcorp Genetics (formerly Invitae), Labcorp
Classification: Uncertain significance. Last evaluated: 2024-10-30. Review status: criteria provided, single submitter. Criteria: Invitae Variant Classification Sherloc (09022015). Collection method: clinical testing. Allele origin: germline.
Comment: This sequence change replaces arginine, which is basic and polar, with histidine, which is basic and polar, at codon 1492 of the DUOX2 protein (p.Arg1492His). This variant is present in population databases (rs144543420, gnomAD 0.04%). This missense change has been observed in individual(s) with congenital hypothyroidism (PMID: 26742565, 27108200). ClinVar contains an entry for this variant (Variation ID: 449575). Invitae Evidence Modeling of protein sequence and biophysical properties (such as structural, functional, and spatial information, amino acid conservation, physicochemical variation, residue mobility, and thermodynamic stability) indicates that this missense variant is expected to disrupt DUOX2 protein function with a positive predictive value of 95%. In summary, the available evidence is currently insufficient to determine the role of this variant in disease. Therefore, it has been classified as a Variant of Uncertain Significance.

GeneDx
Classification: Uncertain significance. Last evaluated: 2019-03-20. Review status: criteria provided, single submitter. Criteria: GeneDx Variant Classification Process June 2021. Collection method: clinical testing. Allele origin: germline. Affected: yes.
Comment: In silico analysis, which includes protein predictors and evolutionary conservation, supports a deleterious effect; This variant is associated with the following publications: (PMID: 26742565, 27108200)

Literature cited by the submitters: PubMed 26742565 (cited by Labcorp Genetics (formerly Invitae), Labcorp); PubMed 27108200 (cited by Labcorp Genetics (formerly Invitae), Labcorp).